The following is an entry in ClinVar:

NM_020693.4(DSCAML1):c.511+10G>A

Gene: DSCAML1 (DS cell adhesion molecule like 1; minus strand). Cytogenetic location: 11q23.3.
Variant type: single nucleotide variant.
Coding change: c.511+10G>A on transcript NM_020693.4 (MANE Select); 10 bases into the intron after coding-DNA position 511, G replaced by A.
Molecular consequence: intron variant.
Genome position (GRCh38, 1-based): chr11:117,776,781, C>T on the plus strand (G>A on the coding strand, the complement: DSCAML1 is on the minus strand). VCF-style: chr11-117776781-C-T. GRCh37 (hg19) VCF-style: chr11-117647496-C-T.
Other names: c.511+10G>A (NM_001367904.1); c.103+10G>A (NM_001367905.1); c.691+10G>A (NM_020693.3).
Identifiers: ClinVar variation 1668563 (VCV001668563.11), dbSNP rs17311045, ClinGen allele CA6297552.

ClinVar aggregate classification (germline): Benign. Review status: criteria provided, multiple submitters, no conflicts (2 of 4 stars). 3 submissions from 3 submitters: Benign (2). 1 of the submissions does not count toward it. Last evaluated 2026-02-01.

Conditions:
DSCAML1-related disorder. Also called: DSCAML1-related condition.

Allele frequency attached by ClinVar (database versions not stated): TOPMed 0.08891; ESP Exome Variant Server 0.10012; 1000 Genomes Project 0.06510; 1000 Genomes Project 30x 0.07089.
gnomAD v4.1: 126,078 of 1,613,776 alleles (7.8%); highest among the groups gnomAD compares: African/African-American, 13%; 5,380 homozygotes.

Submissions (3):

Labcorp Genetics (formerly Invitae), Labcorp
Classification: Benign. Last evaluated: 2026-02-01. Review status: criteria provided, single submitter. Criteria: Invitae Variant Classification Sherloc (09022015). Collection method: clinical testing. Allele origin: germline.

Breakthrough Genomics
Classification: Benign. Review status: criteria provided, single submitter. Criteria: ACMG Guidelines, 2015. Collection method: not provided. Allele origin: germline. Inheritance: Unknown mechanism. Affected: yes.

PreventionGenetics, part of Exact Sciences
Classification: Benign for DSCAML1-related condition. Last evaluated: 2019-10-30. Review status: no assertion criteria provided. Collection method: clinical testing. Allele origin: germline. Not counted in ClinVar's aggregate classification.
Comment: This variant is classified as benign based on ACMG/AMP sequence variant interpretation guidelines (Richards et al. 2015 PMID: 25741868, with internal and published modifications).